The following is an entry in ClinVar:

NM_002734.5(PRKAR1A):c.11G>A (p.Gly4Asp)

Gene: PRKAR1A (protein kinase cAMP-dependent type I regulatory subunit alpha; plus strand). Cytogenetic location: 17q24.2.
Variant type: single nucleotide variant.
Coding change: c.11G>A on transcript NM_002734.5 (MANE Select); coding-DNA position 11, G replaced by A.
Protein change: p.Gly4Asp; replaces glycine 4 with aspartic acid.
Molecular consequence: missense variant.
Genome position (GRCh38, 1-based): chr17:68,515,410, G>A. VCF-style: chr17-68515410-G-A. GRCh37 (hg19) VCF-style: chr17-66511551-G-A.
Other names: c.11G>A, p.Gly4Asp (NM_001276289.2, NM_001276290.1, NM_001278433.2 and 4 more transcripts); c.11G>A (NM_002734.3); short protein forms G4D.
Identifiers: ClinVar variation 4737454 (VCV004737454.2).

ClinVar aggregate classification (germline): Uncertain significance. Review status: criteria provided, multiple submitters, no conflicts (2 of 4 stars). 2 submissions from 2 submitters: Uncertain significance (2). Last evaluated 2026-07-07.

Conditions:
Carney complex, type 1 (CNC1). Also called: CARNEY MYXOMA-ENDOCRINE COMPLEX; CARNEY COMPLEX, TYPE I. Identifiers: Orphanet 1359, MedGen C2607929, MONDO:0008057, OMIM 160980.
Hereditary cancer-predisposing syndrome. Also called: Hereditary Cancer Syndrome; Hereditary neoplastic syndrome; Neoplastic Syndromes, Hereditary; Tumor predisposition. Identifiers: Orphanet 140162, MedGen C0027672, MeSH D009386, MONDO:0015356.

gnomAD v4.1: 3 of 1,613,216 alleles (0.00019%); highest among the groups gnomAD compares: Non-Finnish European, 0.00025%; no homozygotes.

Submissions (2):

Ambry Genetics
Classification: Uncertain significance for Hereditary cancer-predisposing syndrome. Last evaluated: 2026-07-07. Review status: criteria provided, single submitter. Criteria: Ambry Variant Classification Scheme 2023. Collection method: clinical testing. Allele origin: germline.
Comment: The p.G4D variant (also known as c.11G>A), located in coding exon 1 of the PRKAR1A gene, results from a G to A substitution at nucleotide position 11. The glycine at codon 4 is replaced by aspartic acid, an amino acid with similar properties. This amino acid position is conserved. In addition, the in silico prediction for this alteration is inconclusive. Based on the available evidence, the clinical significance of this variant remains unclear.

Labcorp Genetics (formerly Invitae), Labcorp
Classification: Uncertain significance for Carney complex, type 1. Last evaluated: 2025-09-01. Review status: criteria provided, single submitter. Criteria: Invitae Variant Classification Sherloc (09022015). Collection method: clinical testing. Allele origin: germline.
Comment: This sequence change replaces glycine, which is neutral and non-polar, with aspartic acid, which is acidic and polar, at codon 4 of the PRKAR1A protein (p.Gly4Asp). This variant is not present in population databases (gnomAD no frequency). This variant has not been reported in the literature in individuals affected with PRKAR1A-related conditions. Invitae Evidence Modeling of protein sequence and biophysical properties (such as structural, functional, and spatial information, amino acid conservation, physicochemical variation, residue mobility, and thermodynamic stability) indicates that this missense variant is not expected to disrupt PRKAR1A protein function with a negative predictive value of 95%. In summary, the available evidence is currently insufficient to determine the role of this variant in disease. Therefore, it has been classified as a Variant of Uncertain Significance.